The following is an entry in ClinVar:

NM_001371986.1(UNC80):c.4890+3A>G

Gene: UNC80 (unc-80 subunit of NALCN channel complex; plus strand). Cytogenetic location: 2q34.
Variant type: single nucleotide variant.
Coding change: c.4890+3A>G on transcript NM_001371986.1 (MANE Select); 3 bases into the intron after coding-DNA position 4890, A replaced by G.
Molecular consequence: intron variant.
Genome position (GRCh38, 1-based): chr2:209,912,670, A>G. VCF-style: chr2-209912670-A-G. GRCh37 (hg19) VCF-style: chr2-210777394-A-G.
Other names: c.4692+3A>G (NM_032504.2); c.4677+3A>G (NM_182587.4).
Identifiers: ClinVar variation 1366127 (VCV001366127.6), dbSNP rs1389978988, ClinGen allele CA764074828.

ClinVar aggregate classification (germline): Uncertain significance (1 of 4 stars; one submission).

Allele frequency attached by ClinVar (database versions not stated): gnomAD exomes below 0.00001; gnomAD 0.00001; TOPMed 0.00001.
gnomAD v4.1: 6 of 1,542,550 alleles (0.00039%); highest among the groups gnomAD compares: East Asian, 0.0098%; no homozygotes.

Submission:

Labcorp Genetics (formerly Invitae), Labcorp
Classification: Uncertain significance. Last evaluated: 2021-07-06. Review status: criteria provided, single submitter. Criteria: Invitae Variant Classification Sherloc (09022015). Collection method: clinical testing. Allele origin: germline.
Comment: In summary, the available evidence is currently insufficient to determine the role of this variant in disease. Therefore, it has been classified as a Variant of Uncertain Significance. This sequence change falls in intron 29 of the UNC80 gene. It does not directly change the encoded amino acid sequence of the UNC80 protein. It affects a nucleotide within the consensus splice site of the intron. This variant is not present in population databases (ExAC no frequency). This variant has not been reported in the literature in individuals affected with UNC80-related conditions. Nucleotide substitutions within the consensus splice site are a relatively common cause of aberrant splicing (PMID: 17576681, 9536098). Algorithms developed to predict the effect of sequence changes on RNA splicing suggest that this variant may disrupt the consensus splice site.

Literature cited by the submitters: PubMed 17576681; PubMed 9536098.